The following is an entry in ClinVar:

NM_001194.4(HCN2):c.349C>T (p.Pro117Ser)

Gene: HCN2 (hyperpolarization activated cyclic nucleotide gated potassium and sodium channel 2; plus strand). Cytogenetic location: 19p13.3.
Variant type: single nucleotide variant.
Coding change: c.349C>T on transcript NM_001194.4 (MANE Select); coding-DNA position 349, C replaced by T.
Protein change: p.Pro117Ser; replaces proline 117 with serine.
Molecular consequence: missense variant.
Genome position (GRCh38, 1-based): chr19:590,294, C>T. VCF-style: chr19-590294-C-T. GRCh37 (hg19) VCF-style: chr19-590294-C-T.
Other names: short protein forms P117S.
Identifiers: ClinVar variation 4822156 (VCV004822156.4).

ClinVar aggregate classification (germline): Uncertain significance (1 of 4 stars; one submission).

gnomAD v4.1: 11 of 995,628 alleles (0.0011%); highest among the groups gnomAD compares: Non-Finnish European, 0.0012%; no homozygotes.

Submission:

CeGaT Center for Human Genetics Tuebingen
Classification: Uncertain significance. Last evaluated: 2026-02-01. Review status: criteria provided, single submitter. Criteria: CeGaT Center For Human Genetics Tuebingen Variant Classification Criteria Version 2. Collection method: clinical testing. Allele origin: germline. Affected: yes. Observed: 1 variant allele.
Comment: HCN2: PP3